The following is an entry in ClinVar:

ClinVar aggregate classification (germline): Pathogenic (1 of 4 stars; one submission).

Conditions:
Cystic fibrosis (CF). Also called: MUCOVISCIDOSIS. Identifiers: Orphanet 586, MedGen C0010674, MONDO:0009061, OMIM 219700. Disease mechanism: loss of function.

Submission:

Women's Health and Genetics/Laboratory Corporation of America, LabCorp
Classification: Pathogenic for Cystic fibrosis. Last evaluated: 2025-12-28. Review status: criteria provided, single submitter. Criteria: LabCorp Variant Classification Summary - May 2015. Collection method: clinical testing. Allele origin: germline.
Comment: Variant summary: CFTR c.1476_1477delTC (p.Gln493ValfsX10) results in a premature termination codon, predicted to cause a truncation of the encoded protein or absence of the protein due to nonsense mediated decay, which are commonly known mechanisms for disease. The variant was absent in 251320 control chromosomes. c.1476_1477delTC has been observed in individual(s) affected with Cystic Fibrosis (example, Riquelme_2019). To our knowledge, no experimental evidence demonstrating an impact on protein function has been reported. The following publication have been ascertained in the context of this evaluation (PMID: 31270271). No submitters have cited clinical-significance assessments for this variant to ClinVar. Based on the evidence outlined above, the variant was classified as pathogenic.

Literature cited by the submitters: PubMed 31270271.

NM_000492.4(CFTR):c.1476_1477del (p.Gln493fs)

Genes: CFTR (CF transmembrane conductance regulator; plus strand), CFTR-AS1 (CFTR antisense RNA 1; minus strand). Cytogenetic location: 7q31.2.
Variant type: Microsatellite.
Coding change: c.1476_1477del on transcript NM_000492.4 (MANE Select); coding-DNA positions 1476 to 1477, 2 bases deleted (TC; older notation c.1476_1477delTC).
Protein change: p.Gln493fs; shifts the reading frame from glutamine 493.
Molecular consequence: frameshift variant.
Genome position (GRCh38, 1-based): chr7:117,559,547-117,559,548, TC deleted; deleting any 2 consecutive bases within chr7:117,559,545-117,559,548 gives the same sequence; the c. name uses the placement nearest the transcript's 3' end. VCF-style (leftmost placement, unchanged base first): chr7-117559544-TTC-T. GRCh37 (hg19) VCF-style: chr7-117199598-TTC-T.
Other names: c.1476_1477delTC (NM_000492.4); short protein forms Q493fs.
Identifiers: ClinVar variation 4688765 (VCV004688765.1).